The following is an entry in ClinVar:

NM_004304.5(ALK):c.1288T>A (p.Ser430Thr)

Gene: ALK (ALK receptor tyrosine kinase; minus strand). Cytogenetic location: 2p23.2.
Variant type: single nucleotide variant.
Coding change: c.1288T>A on transcript NM_004304.5 (MANE Select); coding-DNA position 1288, T replaced by A.
Protein change: p.Ser430Thr; replaces serine 430 with threonine.
Molecular consequence: missense variant.
Genome position (GRCh38, 1-based): chr2:29,328,476, A>T on the plus strand (T>A on the coding strand, the complement: ALK is on the minus strand). VCF-style: chr2-29328476-A-T. GRCh37 (hg19) VCF-style: chr2-29551342-A-T.
Other names: short protein forms S430T.
Identifiers: ClinVar variation 1381220 (VCV001381220.11), dbSNP rs2148258441, ClinGen allele CA346474606.

ClinVar aggregate classification (germline): Uncertain significance. Review status: criteria provided, multiple submitters, no conflicts (2 of 4 stars). 4 submissions from 4 submitters: Uncertain significance (4). Last evaluated 2025-10-13.

Conditions:
Neuroblastoma, susceptibility to, 3. Also called: ALK-Related Neuroblastic Tumor Susceptibility. Identifiers: Orphanet 635, MedGen C2751681, MONDO:0013083, OMIM 613014.
Hereditary cancer-predisposing syndrome. Also called: Hereditary neoplastic syndrome; Hereditary Cancer Syndrome; Tumor predisposition; Neoplastic Syndromes, Hereditary. Identifiers: Orphanet 140162, MedGen C0027672, MeSH D009386, MONDO:0015356.

Submissions (4):

Labcorp Genetics (formerly Invitae), Labcorp
Classification: Uncertain significance for Neuroblastoma, susceptibility to, 3. Last evaluated: 2025-10-13. Review status: criteria provided, single submitter. Criteria: Invitae Variant Classification Sherloc (09022015). Collection method: clinical testing. Allele origin: germline.
Comment: This sequence change replaces serine, which is neutral and polar, with threonine, which is neutral and polar, at codon 430 of the ALK protein (p.Ser430Thr). This variant is not present in population databases (gnomAD no frequency). This variant has not been reported in the literature in individuals affected with ALK-related conditions. ClinVar contains an entry for this variant (Variation ID: 1381220). An algorithm developed to predict the effect of missense changes on protein structure and function (PolyPhen-2) suggests that this variant is likely to be tolerated. In summary, the available evidence is currently insufficient to determine the role of this variant in disease. Therefore, it has been classified as a Variant of Uncertain Significance.

Ambry Genetics
Classification: Uncertain significance for Hereditary cancer-predisposing syndrome. Last evaluated: 2025-01-27. Review status: criteria provided, single submitter. Criteria: Ambry Variant Classification Scheme 2023. Collection method: clinical testing. Allele origin: germline.
Comment: The p.S430T variant (also known as c.1288T>A), located in coding exon 6 of the ALK gene, results from a T to A substitution at nucleotide position 1288. The serine at codon 430 is replaced by threonine, an amino acid with similar properties. This amino acid position is conserved. In addition, this alteration is predicted to be tolerated by in silico analysis. Since supporting evidence is limited at this time, the clinical significance of this alteration remains unclear.

Baylor Genetics
Classification: Uncertain significance for Neuroblastoma, susceptibility to, 3. Last evaluated: 2024-03-27. Review status: criteria provided, single submitter. Criteria: ACMG Guidelines, 2015. Collection method: clinical testing. Allele origin: unknown.

Blueprint Genetics
Classification: Uncertain significance. Last evaluated: 2023-08-11. Review status: criteria provided, single submitter. Criteria: ACMG Guidelines, 2015. Collection method: clinical testing. Allele origin: germline.